The following is an entry in ClinVar:

NM_016058.5(TPRKB):c.136A>G (p.Thr46Ala)

Gene: TPRKB (TP53RK binding protein; minus strand). Cytogenetic location: 2p13.1.
Variant type: single nucleotide variant.
Coding change: c.136A>G on transcript NM_016058.5 (MANE Select); coding-DNA position 136, A replaced by G.
Protein change: p.Thr46Ala; replaces threonine 46 with alanine.
Molecular consequence: missense variant. On other transcripts: 5 prime UTR variant (1), intron variant (2).
Genome position (GRCh38, 1-based): chr2:73,734,434, T>C on the plus strand (A>G on the coding strand, the complement: TPRKB is on the minus strand). VCF-style: chr2-73734434-T-C. GRCh37 (hg19) VCF-style: chr2-73961561-T-C.
Other names: c.136A>G, p.Thr46Ala (NM_001330386.2, NM_001330387.2, NM_001330388.2 and 1 more transcripts); c.-40A>G (NM_001330390.2); c.42+94A>G (NM_001330391.2, NM_001330392.2); short protein forms T46A.
Identifiers: ClinVar variation 2188661 (VCV002188661.4), dbSNP rs780348427, ClinGen allele CA1716474.
Genomic context (GRCh38, chr2:73,734,434, plus strand): 5'-CAGGCGTGAGCCACCGCACCCAGCAGGCTCATTCATTCTTAAAATTTATATTTACCACTG[T>C]AGGATTTATCAGTGATCCATCGATGGTGCCTTCCATGGCCTTTCTTCTCAAGTCTCCCGC-3'
Protein context (NP_057142.1, residues 36-56): GTIDGSLINP[Thr46Ala]VIVDPFQILV

ClinVar aggregate classification (germline): Uncertain significance (1 of 4 stars; one submission).

Allele frequency attached by ClinVar (database versions not stated): TOPMed 0.00001; ExAC 0.00007; gnomAD 0.00008; gnomAD exomes 0.00009.
gnomAD v4.1: 137 of 1,611,738 alleles (0.0085%); highest among the groups gnomAD compares: South Asian, 0.14%; no homozygotes.

Submission:

Labcorp Genetics (formerly Invitae), Labcorp
Classification: Uncertain significance. Last evaluated: 2022-08-12. Review status: criteria provided, single submitter. Criteria: Invitae Variant Classification Sherloc (09022015). Collection method: clinical testing. Allele origin: germline.
Comment: In summary, the available evidence is currently insufficient to determine the role of this variant in disease. Therefore, it has been classified as a Variant of Uncertain Significance. This sequence change replaces threonine, which is neutral and polar, with alanine, which is neutral and non-polar, at codon 46 of the TPRKB protein (p.Thr46Ala). This variant is present in population databases (rs780348427, gnomAD 0.08%), and has an allele count higher than expected for a pathogenic variant. This variant has not been reported in the literature in individuals affected with TPRKB-related conditions. Algorithms developed to predict the effect of missense changes on protein structure and function output the following: SIFT: "Tolerated"; PolyPhen-2: "Benign"; Align-GVGD: "Class C0". The alanine amino acid residue is found in multiple mammalian species, which suggests that this missense change does not adversely affect protein function.